The following is an entry in ClinVar:

NM_018052.5(VAC14):c.1106A>T (p.Asp369Val)

Genes: VAC14 (VAC14 component of PIKFYVE complex; minus strand), VAC14-AS1 (VAC14 antisense RNA 1; plus strand). Cytogenetic location: 16q22.1.
Variant type: single nucleotide variant.
Coding change: c.1106A>T on transcript NM_018052.5 (MANE Select); coding-DNA position 1106, A replaced by T.
Protein change: p.Asp369Val; replaces aspartic acid 369 with valine.
Molecular consequence: missense variant. On other transcripts: non-coding transcript variant (1).
Genome position (GRCh38, 1-based): chr16:70,772,163, T>A on the plus strand (A>T on the coding strand, the complement: VAC14 is on the minus strand). VCF-style: chr16-70772163-T-A. GRCh37 (hg19) VCF-style: chr16-70806066-T-A.
Other names: c.404A>T, p.Asp135Val (NM_001351157.2); short protein forms D369V, D135V.
Identifiers: ClinVar variation 1930304 (VCV001930304.5), dbSNP rs2033269214, ClinGen allele CA396604438.
Genomic context (GRCh38, chr16:70,772,163, plus strand): 5'-ACTTACCTGGCTGCAGTGAAGACACTGATGCCGCTACTGAAGCTGGAGTCACAGGAACCA[T>A]CTGGACCTCCTGGGAGAGGAAGAGGAACAAGGGGTCATGAAAGGCTGTTGGCTCTCTTGA-3'
Protein context (NP_060522.3, residues 359-379): KQEGTASGGP[Asp369Val]GSCDSSFSSG

ClinVar aggregate classification (germline): Uncertain significance (1 of 4 stars; one submission).

Allele frequency attached by ClinVar (database versions not stated): gnomAD 0.00001; TOPMed 0.00001.
gnomAD v4.1: 2 of 1,613,904 alleles (0.00012%); highest among the groups gnomAD compares: African/African-American, 0.0027%; no homozygotes.

Submission:

Labcorp Genetics (formerly Invitae), Labcorp
Classification: Uncertain significance. Last evaluated: 2024-03-04. Review status: criteria provided, single submitter. Criteria: Invitae Variant Classification Sherloc (09022015). Collection method: clinical testing. Allele origin: germline.
Comment: This sequence change replaces aspartic acid, which is acidic and polar, with valine, which is neutral and non-polar, at codon 369 of the VAC14 protein (p.Asp369Val). This variant is not present in population databases (gnomAD no frequency). This variant has not been reported in the literature in individuals affected with VAC14-related conditions. ClinVar contains an entry for this variant (Variation ID: 1930304). Advanced modeling of protein sequence and biophysical properties (such as structural, functional, and spatial information, amino acid conservation, physicochemical variation, residue mobility, and thermodynamic stability) performed at Invitae indicates that this missense variant is not expected to disrupt VAC14 protein function with a negative predictive value of 80%. In summary, the available evidence is currently insufficient to determine the role of this variant in disease. Therefore, it has been classified as a Variant of Uncertain Significance.